The following is an entry in ClinVar:

ClinVar aggregate classification (germline): Uncertain significance. Review status: criteria provided, multiple submitters, no conflicts (2 of 4 stars). 2 submissions from 2 submitters: Uncertain significance (2). Last evaluated 2023-02-18.

Conditions:
Hereditary cancer-predisposing syndrome. Also called: Hereditary Cancer Syndrome; Hereditary neoplastic syndrome; Tumor predisposition; Neoplastic Syndromes, Hereditary. Identifiers: Orphanet 140162, MedGen C0027672, MeSH D009386, MONDO:0015356.
Hereditary nonpolyposis colorectal neoplasms. Identifiers: MedGen C0009405, MeSH D003123.

Submissions (2):

Labcorp Genetics (formerly Invitae), Labcorp
Classification: Uncertain significance for Hereditary nonpolyposis colorectal neoplasms. Last evaluated: 2023-02-18. Review status: criteria provided, single submitter. Criteria: Invitae Variant Classification Sherloc (09022015). Collection method: clinical testing. Allele origin: germline.
Comment: This variant has not been reported in the literature in individuals affected with PMS2-related conditions. The frequency data for this variant in the population databases (gnomAD) is considered unreliable due to the presence of homologous sequence, such as pseudogenes or paralogs, in the genome. This sequence change replaces proline, which is neutral and non-polar, with leucine, which is neutral and non-polar, at codon 760 of the PMS2 protein (p.Pro760Leu). ClinVar contains an entry for this variant (Variation ID: 1788895). In summary, the available evidence is currently insufficient to determine the role of this variant in disease. Therefore, it has been classified as a Variant of Uncertain Significance. Algorithms developed to predict the effect of sequence changes on RNA splicing suggest that this variant may create or strengthen a splice site. Advanced modeling of protein sequence and biophysical properties (such as structural, functional, and spatial information, amino acid conservation, physicochemical variation, residue mobility, and thermodynamic stability) has been performed at Invitae for this missense variant, however the output from this modeling did not meet the statistical confidence thresholds required to predict the impact of this variant on PMS2 protein function.

Ambry Genetics
Classification: Uncertain significance for Hereditary cancer-predisposing syndrome. Last evaluated: 2020-06-04. Review status: criteria provided, single submitter. Criteria: Ambry Variant Classification Scheme 2023. Collection method: clinical testing. Allele origin: germline.
Comment: The p.P760L variant (also known as c.2279C>T), located in coding exon 14 of the PMS2 gene, results from a C to T substitution at nucleotide position 2279. The proline at codon 760 is replaced by leucine, an amino acid with similar properties. This amino acid position is highly conserved through reptiles but not in all available vertebrate species. In addition, the in silico prediction for this alteration is inconclusive. Since supporting evidence is limited at this time, the clinical significance of this alteration remains unclear.

NM_000535.7(PMS2):c.2279C>T (p.Pro760Leu)

Gene: PMS2 (PMS1 homolog 2, mismatch repair system component; minus strand). Cytogenetic location: 7p22.1.
Variant type: single nucleotide variant.
Coding change: c.2279C>T on transcript NM_000535.7 (MANE Select); coding-DNA position 2279, C replaced by T.
Protein change: p.Pro760Leu; replaces proline 760 with leucine.
Molecular consequence: missense variant.
Genome position (GRCh38, 1-based): chr7:5,977,754, G>A on the plus strand (C>T on the coding strand, the complement: PMS2 is on the minus strand). VCF-style: chr7-5977754-G-A. GRCh37 (hg19) VCF-style: chr7-6017385-G-A.
Other names: c.1874C>T, p.Pro625Leu (NM_001018040.1, NM_001322003.2, NM_001322004.2 and 12 more transcripts); c.2123C>T, p.Pro708Leu (NM_001322006.2); c.1961C>T, p.Pro654Leu (NM_001322007.2, NM_001322008.2, NM_001406883.1); c.1907C>T, p.Pro636Leu (NM_001322009.2, NM_001406887.1, NM_001406888.1); c.1718C>T, p.Pro573Leu (NM_001322010.2, NM_001406906.1, NM_001406907.1); c.1346C>T, p.Pro449Leu (NM_001322011.2, NM_001322012.2); c.1706C>T, p.Pro569Leu (NM_001322013.2, NM_001406908.1, NM_001406909.1); c.2312C>T, p.Pro771Leu (NM_001322014.2); and 18 more; short protein forms P359L, P573L, P602L, P625L, P638L, P652L, P668L, P822L.
Identifiers: ClinVar variation 1788895 (VCV001788895.7), dbSNP rs2128675989, ClinGen allele CA366736191.